The following is an entry in ClinVar:

ClinVar aggregate classification (germline): Likely pathogenic (1 of 4 stars; one submission).

Submission:

Labcorp Genetics (formerly Invitae), Labcorp
Classification: Likely pathogenic. Last evaluated: 2022-12-20. Review status: criteria provided, single submitter. Criteria: Invitae Variant Classification Sherloc (09022015). Collection method: clinical testing. Allele origin: unknown.
Comment: In summary, the currently available evidence indicates that the variant is pathogenic, but additional data are needed to prove that conclusively. Therefore, this variant has been classified as Likely Pathogenic. This variant has not been reported in the literature in individuals affected with ABCA12-related conditions. This variant results in a copy number gain of the genomic region encompassing exon(s) 35-38 of the ABCA12 gene. While the exact position of this variant cannot be determined from the data, sub-genic copy number gains are generally in tandem (PMID: 25640679). This variant is predicted to be out-of-frame, and may result in an absent or disrupted protein product. Loss-of-function variants in ABCA12 are known to be pathogenic (PMID: 20672373).

Literature cited by the submitters: PubMed 25640679; PubMed 20672373.

NC_000002.11:g.(?_215833424)_(215839608_?)dup

Gene: ABCA12 (ATP binding cassette subfamily A member 12; minus strand). Cytogenetic location: 2q35.
Variant type: Duplication.
Identifiers: ClinVar variation 3247596 (VCV003247596.1).